The following is an entry in ClinVar:

NM_000228.3(LAMB3):c.2533C>T (p.Gln845Ter)

Gene: LAMB3 (laminin subunit beta 3; minus strand). Cytogenetic location: 1q32.2.
Variant type: single nucleotide variant.
Coding change: c.2533C>T on transcript NM_000228.3 (MANE Select); coding-DNA position 2533, C replaced by T.
Protein change: p.Gln845Ter; replaces glutamine 845 with a stop codon.
Molecular consequence: nonsense.
Genome position (GRCh38, 1-based): chr1:209,623,005, G>A on the plus strand (C>T on the coding strand, the complement: LAMB3 is on the minus strand). VCF-style: chr1-209623005-G-A. GRCh37 (hg19) VCF-style: chr1-209796350-G-A.
Other names: c.2533C>T, p.Gln845Ter (NM_001017402.2, NM_001127641.1); short protein forms Q845*.
Identifiers: ClinVar variation 816952 (VCV000816952.1), dbSNP rs1571804681, ClinGen allele CA344587836.

ClinVar aggregate classification (germline): Pathogenic (1 of 4 stars; one submission).

Allele frequency attached by ClinVar (database versions not stated): gnomAD exomes below 0.00001.
gnomAD v4.1: 1 of 1,613,622 alleles (0.000062%); no homozygotes.

Submission:

GeneDx
Classification: Pathogenic. Last evaluated: 2019-02-11. Review status: criteria provided, single submitter. Criteria: GeneDx Variant Classification (06012015). Collection method: clinical testing. Allele origin: germline. Affected: yes.
Comment: The Q845X pathogenic variant in the LAMB3 gene has not been reported previously as a pathogenic variant nor as a benign variant, to our knowledge. This variant is predicted to cause loss of normal protein function either through protein truncation or nonsense-mediated mRNA decay. The Q845X variant is not observed in large population cohorts (Lek et al., 2016). We interpret Q845X as a pathogenic variant.